The following is an entry in ClinVar:

NM_001330260.2(SCN8A):c.3819T>C (p.Ala1273=)

Gene: SCN8A (sodium voltage-gated channel alpha subunit 8; plus strand). Cytogenetic location: 12q13.13.
Variant type: single nucleotide variant.
Coding change: c.3819T>C on transcript NM_001330260.2 (MANE Select); coding-DNA position 3819, T replaced by C.
Protein change: p.Ala1273=; no amino-acid change (alanine 1273 retained).
Molecular consequence: synonymous variant.
Genome position (GRCh38, 1-based): chr12:51,774,362, T>C. VCF-style: chr12-51774362-T-C. GRCh37 (hg19) VCF-style: chr12-52168146-T-C.
Other names: c.3819T>C, p.Ala1273= (NM_001177984.3, NM_001369788.1, NM_014191.4).
Identifiers: ClinVar variation 2911216 (VCV002911216.4), dbSNP rs753343522, ClinGen allele CA6571676.
Genomic context (GRCh38, chr12:51,774,362, plus strand): 5'-CTATGGCTTCGTCAAGTTCTTCACCAATGCCTGGTGTTGGCTGGACTTCCTCATTGTGGC[T>C]GTAGGTGTCTTGCTTTCTGTTTCCCACCCCTTCCAGCAGGAACACAGAAACAGGGGTCTC-3'
Protein context (NP_001317189.1, residues 1263-1283): AWCWLDFLIV[Ala1273=]VSLVSLIANA

ClinVar aggregate classification (germline): Uncertain significance. Review status: criteria provided, multiple submitters, no conflicts (2 of 4 stars). 2 submissions from 2 submitters: Uncertain significance (2). Last evaluated 2025-12-08.

Conditions:
Cognitive impairment with or without cerebellar ataxia (CIAT). Identifiers: MedGen C3280415, MONDO:0013680, OMIM 614306.
Early-infantile DEE. Also called: Early infantile epileptic encephalopathy; Ohtahara syndrome; Early infantile epileptic encephalopathy with suppression bursts. Identifiers: Orphanet 1934, MedGen C0393706, MONDO:0800491.

Allele frequency attached by ClinVar (database versions not stated): gnomAD exomes below 0.00001; gnomAD 0.00001; TOPMed below 0.00001; ExAC 0.00001.
gnomAD v4.1: 7 of 1,602,744 alleles (0.00044%); highest among the groups gnomAD compares: Non-Finnish European, 0.00051%; no homozygotes.

Submissions (2):

Labcorp Genetics (formerly Invitae), Labcorp
Classification: Uncertain significance for Early-infantile DEE. Last evaluated: 2025-12-08. Review status: criteria provided, single submitter. Criteria: Invitae Variant Classification Sherloc (09022015). Collection method: clinical testing. Allele origin: germline.
Comment: This sequence change affects codon 1273 of the SCN8A mRNA. It is a 'silent' change, meaning that it does not change the encoded amino acid sequence of the SCN8A protein. It affects a nucleotide within the consensus splice site. This variant is present in population databases (rs753343522, gnomAD 0.002%). This variant has not been reported in the literature in individuals affected with SCN8A-related conditions. ClinVar contains an entry for this variant (Variation ID: 2911216). Algorithms developed to predict the effect of sequence changes on RNA splicing suggest that this variant is not likely to affect RNA splicing. In summary, the available evidence is currently insufficient to determine the role of this variant in disease. Therefore, it has been classified as a Variant of Uncertain Significance.

Pittsburgh Clinical Genomics Laboratory, University of Pittsburgh Medical Center
Classification: Uncertain significance for Cognitive impairment with or without cerebellar ataxia. Last evaluated: 2023-01-10. Review status: criteria provided, single submitter. Criteria: ACMG Guidelines, 2015. Collection method: clinical testing. Allele origin: germline. Inheritance: Autosomal dominant inheritance. Affected: yes.
Comment: This sequence variant is a single nucleotide substitution (C>T) at coding nucleotide 3819 in the SCN8A gene; this is a synonymous variant, as the alanine amino acid at residue 1273 remains unchanged. This variant has not been reported in clinical genetics databases or observed in the medical literature in individuals with SCN8A-related disease, to our knowledge. This variant is present in 2/274004 alleles (0.0007%) in the gnomAD control population dataset. Bioinformatic tools predict that this nucleotide change may affect the use of the adjacent splice donor site, yet functiol studies testing the effects of this variant on mR splicing have not been performed, to our knowledge. At this time, there is insufficient evidence to determine if this variant is pathogenic or benign. Therefore, we consider it to be a variant of uncertain significance. ACMG Criteria: PM2